The following is an entry in ClinVar:

ClinVar aggregate classification (germline): Uncertain significance (1 of 4 stars; one submission).

gnomAD v4.1: 1 of 1,613,850 alleles (0.000062%); highest among the groups gnomAD compares: Middle Eastern, 0.017%; no homozygotes.

Submission:

Labcorp Genetics (formerly Invitae), Labcorp
Classification: Uncertain significance. Last evaluated: 2021-11-04. Review status: criteria provided, single submitter. Criteria: Invitae Variant Classification Sherloc (09022015). Collection method: clinical testing. Allele origin: germline.
Comment: This sequence change replaces aspartic acid, which is acidic and polar, with histidine, which is basic and polar, at codon 188 of the ADSSL1 protein (p.Asp188His). This variant is not present in population databases (gnomAD no frequency). This variant has not been reported in the literature in individuals affected with ADSSL1-related conditions. Algorithms developed to predict the effect of missense changes on protein structure and function are either unavailable or do not agree on the potential impact of this missense change (SIFT: "Not Available"; PolyPhen-2: "Probably Damaging"; Align-GVGD: "Not Available"). In summary, the available evidence is currently insufficient to determine the role of this variant in disease. Therefore, it has been classified as a Variant of Uncertain Significance.

NM_152328.5(ADSS1):c.433G>C (p.Asp145His)

Gene: ADSS1 (adenylosuccinate synthase 1; plus strand). Cytogenetic location: 14q32.33.
Variant type: single nucleotide variant.
Coding change: c.433G>C on transcript NM_152328.5 (MANE Select); coding-DNA position 433, G replaced by C.
Protein change: p.Asp145His; replaces aspartic acid 145 with histidine.
Molecular consequence: missense variant. On other transcripts: 5 prime UTR variant (1).
Genome position (GRCh38, 1-based): chr14:104,739,773, G>C. VCF-style: chr14-104739773-G-C. GRCh37 (hg19) VCF-style: chr14-105206110-G-C.
Other names: c.-183G>C (NM_001320424.1); c.562G>C, p.Asp188His (NM_199165.2); short protein forms D145H, D188H.
Identifiers: ClinVar variation 1681927 (VCV001681927.6), dbSNP rs143062280, ClinGen allele CA267336439.